The following is an entry in ClinVar:

ClinVar aggregate classification (germline): Benign. Review status: criteria provided, multiple submitters, no conflicts (2 of 4 stars). 2 submissions from 2 submitters: Benign (2). Last evaluated 2018-06-14.

Allele frequency attached by ClinVar (database versions not stated): 1000 Genomes Project 0.18590; 1000 Genomes Project 30x 0.19160; TOPMed 0.24636; gnomAD 0.25438 and 0.25833; ESP Exome Variant Server 0.27245; gnomAD exomes 0.30457.

Submissions (2):

GeneDx
Classification: Benign. Last evaluated: 2018-06-14. Review status: criteria provided, single submitter. Criteria: GeneDx Variant Classification (06012015). Collection method: clinical testing. Allele origin: germline. Affected: yes.
Comment: This variant is considered likely benign or benign based on one or more of the following criteria: it is a conservative change, it occurs at a poorly conserved position in the protein, it is predicted to be benign by multiple in silico algorithms, and/or has population frequency not consistent with disease.

Breakthrough Genomics
Classification: Benign. Review status: criteria provided, single submitter. Criteria: ACMG Guidelines, 2015. Collection method: not provided. Allele origin: germline. Inheritance: Autosomal recessive inheritance. Affected: yes.

NM_001044385.3(TMEM237):c.74+71C>T

Gene: TMEM237 (transmembrane protein 237; minus strand). Cytogenetic location: 2q33.1.
Variant type: single nucleotide variant.
Coding change: c.74+71C>T on transcript NM_001044385.3 (MANE Select); 71 bases into the intron after coding-DNA position 74, C replaced by T.
Molecular consequence: intron variant.
Genome position (GRCh38, 1-based): chr2:201,640,822, G>A on the plus strand (C>T on the coding strand, the complement: TMEM237 is on the minus strand). VCF-style: chr2-201640822-G-A. GRCh37 (hg19) VCF-style: chr2-202505545-G-A.
Other names: c.50+71C>T (NM_152388.4).
Identifiers: ClinVar variation 673975 (VCV000673975.2), dbSNP rs56321285, ClinGen allele CA16123845.
Genomic context (GRCh38, chr2:201,640,822, plus strand): 5'-GAAAATCCCTAAATTTTTCAGAAGAGTTTCCTGAATCATTGTAATTTTGCAATGATACTA[G>A]TCAATTTTTCCACTGTCTTCATTTTCCATTTTTAAAGCTCAATAATGAAATTACTGTAAA-3'